The following is an entry in ClinVar:

NM_000278.5(PAX2):c.382A>G (p.Thr128Ala)

Gene: PAX2 (paired box 2; plus strand). Cytogenetic location: 10q24.31.
Variant type: single nucleotide variant.
Coding change: c.382A>G on transcript NM_000278.5 (MANE Select); coding-DNA position 382, A replaced by G.
Protein change: p.Thr128Ala; replaces threonine 128 with alanine.
Molecular consequence: missense variant.
Genome position (GRCh38, 1-based): chr10:100,750,863, A>G. VCF-style: chr10-100750863-A-G. GRCh37 (hg19) VCF-style: chr10-102510620-A-G.
Other names: c.475A>G, p.Thr159Ala (NM_001304569.2); c.382A>G, p.Thr128Ala (NM_003987.5, NM_003988.5, NM_003989.5 and 1 more transcripts); short protein forms T128A, T159A.
Identifiers: ClinVar variation 3757696 (VCV003757696.3).

ClinVar aggregate classification (germline): Uncertain significance. Review status: criteria provided, multiple submitters, no conflicts (2 of 4 stars). 2 submissions from 2 submitters: Uncertain significance (2). Last evaluated 2025-06-30.

Conditions:
Focal segmental glomerulosclerosis 7 (FSGS7). Identifiers: Orphanet 656, MedGen C4014925, MONDO:0014451, OMIM 616002.
Renal coloboma syndrome (PAPRS). Also called: PAPILLORENAL SYNDROME; CONGENITAL ANOMALIES OF THE KIDNEY AND URINARY TRACT WITH OR WITHOUT OCULAR ABNORMALITIES; CAKUT WITH OR WITHOUT OCULAR ABNORMALITIES; OPTIC NERVE COLOBOMA WITH RENAL DISEASE; RENAL-COLOBOMA SYNDROME WITH MACULAR ABNORMALITIES; PAPILLORENAL SYNDROME WITH MILD OCULAR ABNORMALITIES. Identifiers: Orphanet 1475, MedGen C1852759, MONDO:0007352, OMIM 120330.

gnomAD v4.1: 7 of 1,613,588 alleles (0.00043%); highest among the groups gnomAD compares: Non-Finnish European, 0.00051%; no homozygotes.

Submissions (2):

Labcorp Genetics (formerly Invitae), Labcorp
Classification: Uncertain significance for Renal coloboma syndrome; Focal segmental glomerulosclerosis 7. Last evaluated: 2025-06-30. Review status: criteria provided, single submitter. Criteria: Invitae Variant Classification Sherloc (09022015). Collection method: clinical testing. Allele origin: germline.
Comment: This sequence change replaces threonine, which is neutral and polar, with alanine, which is neutral and non-polar, at codon 128 of the PAX2 protein (p.Thr128Ala). This variant is present in population databases (rs753208205, gnomAD 0.004%). This variant has not been reported in the literature in individuals affected with PAX2-related conditions. ClinVar contains an entry for this variant (Variation ID: 3757696). Experimental studies and prediction algorithms are not available or were not evaluated, and the functional significance of this variant is currently unknown. In summary, the available evidence is currently insufficient to determine the role of this variant in disease. Therefore, it has been classified as a Variant of Uncertain Significance.

Blueprint Genetics
Classification: Uncertain significance. Last evaluated: 2023-11-22. Review status: criteria provided, single submitter. Criteria: ACMG Guidelines, 2015. Collection method: clinical testing. Allele origin: germline.